The following is an entry in ClinVar:

ClinVar aggregate classification (germline): Conflicting classifications of pathogenicity. Review status: criteria provided, conflicting classifications (1 of 4 stars). 2 submissions from 2 submitters: Uncertain significance (1); Likely benign (1). Last evaluated 2026-06-22.

Conditions:
Fanconi anemia complementation group O. Also called: RAD51C-Related Fanconi Anemia. Identifiers: Orphanet 84, MedGen C3150653, MONDO:0013248, OMIM 613390.
Hereditary cancer-predisposing syndrome. Also called: Tumor predisposition; Hereditary neoplastic syndrome; Neoplastic Syndromes, Hereditary; Hereditary Cancer Syndrome. Identifiers: Orphanet 140162, MedGen C0027672, MeSH D009386, MONDO:0015356.

Submissions (2):

Ambry Genetics
Classification: Likely benign for Hereditary cancer-predisposing syndrome. Last evaluated: 2026-06-22. Review status: criteria provided, single submitter. Criteria: Ambry Variant Classification Scheme 2023. Collection method: clinical testing. Allele origin: germline.

Labcorp Genetics (formerly Invitae), Labcorp
Classification: Uncertain significance for Fanconi anemia complementation group O. Last evaluated: 2019-02-11. Review status: criteria provided, single submitter. Criteria: Invitae Variant Classification Sherloc (09022015). Collection method: clinical testing. Allele origin: germline.
Comment: Nucleotide substitutions within the consensus splice site are a relatively common cause of aberrant splicing (PMID: 17576681, 9536098). Algorithms developed to predict the effect of sequence changes on RNA splicing suggest that this variant is not likely to affect RNA splicing, but this prediction has not been confirmed by published transcriptional studies. In summary, the available evidence is currently insufficient to determine the role of this variant in disease. Therefore, it has been classified as a Variant of Uncertain Significance. This variant has not been reported in the literature in individuals with RAD51C-related conditions. This variant is not present in population databases (ExAC no frequency). This sequence change falls in intron 3 of the RAD51C gene. It does not directly change the encoded amino acid sequence of the RAD51C protein, but it affects a nucleotide within the consensus splice site of the intron.

Literature cited by the submitters: PubMed 17576681 (cited by Labcorp Genetics (formerly Invitae), Labcorp); PubMed 9536098 (cited by Labcorp Genetics (formerly Invitae), Labcorp).

NM_058216.3(RAD51C):c.572-3C>T

Gene: RAD51C (RAD51 paralog C; plus strand). Cytogenetic location: 17q22.
Variant type: single nucleotide variant.
Coding change: c.572-3C>T on transcript NM_058216.3 (MANE Select); 3 bases into the intron before coding-DNA position 572, C replaced by T.
Molecular consequence: intron variant.
Genome position (GRCh38, 1-based): chr17:58,703,193, C>T. VCF-style: chr17-58703193-C-T. GRCh37 (hg19) VCF-style: chr17-56780554-C-T.
Other names: c.572-3C>T (NM_058216.1).
Identifiers: ClinVar variation 860554 (VCV000860554.10), dbSNP rs1567794089, ClinGen allele CA916081889.